The following is an entry in ClinVar:

NM_001197104.2(KMT2A):c.10798G>A (p.Glu3600Lys)

Gene: KMT2A (lysine methyltransferase 2A; plus strand). Cytogenetic location: 11q23.3.
Variant type: single nucleotide variant.
Coding change: c.10798G>A on transcript NM_001197104.2 (MANE Select); coding-DNA position 10798, G replaced by A.
Protein change: p.Glu3600Lys; replaces glutamic acid 3600 with lysine.
Molecular consequence: missense variant.
Genome position (GRCh38, 1-based): chr11:118,507,572, G>A. VCF-style: chr11-118507572-G-A. GRCh37 (hg19) VCF-style: chr11-118378287-G-A.
Other names: c.10888G>A, p.Glu3630Lys (NM_001412597.1); c.10789G>A, p.Glu3597Lys (NM_005933.4); short protein forms E3600K, E3597K, E3630K.
Identifiers: ClinVar variation 2178711 (VCV002178711.5), dbSNP rs782210632, ClinGen allele CA6304826.

ClinVar aggregate classification (germline): Conflicting classifications of pathogenicity. Review status: criteria provided, conflicting classifications (1 of 4 stars). 2 submissions from 2 submitters: Uncertain significance (1); Likely benign (1). Last evaluated 2025-08-15.

Conditions:
Inborn genetic diseases. Identifiers: MedGen C0950123, MeSH D030342.

Allele frequency attached by ClinVar (database versions not stated): ExAC 0.00001; gnomAD 0.00002; TOPMed 0.00002.

Submissions (2):

Labcorp Genetics (formerly Invitae), Labcorp
Classification: Uncertain significance. Last evaluated: 2025-08-15. Review status: criteria provided, single submitter. Criteria: Invitae Variant Classification Sherloc (09022015). Collection method: clinical testing. Allele origin: germline.
Comment: This sequence change replaces glutamic acid, which is acidic and polar, with lysine, which is basic and polar, at codon 3600 of the KMT2A protein (p.Glu3600Lys). This variant is present in population databases (rs782210632, gnomAD 0.004%). This variant has not been reported in the literature in individuals affected with KMT2A-related conditions. ClinVar contains an entry for this variant (Variation ID: 2178711). Invitae Evidence Modeling of protein sequence and biophysical properties (such as structural, functional, and spatial information, amino acid conservation, physicochemical variation, residue mobility, and thermodynamic stability) indicates that this missense variant is not expected to disrupt KMT2A protein function with a negative predictive value of 95%. In summary, the available evidence is currently insufficient to determine the role of this variant in disease. Therefore, it has been classified as a Variant of Uncertain Significance.

Ambry Genetics
Classification: Likely benign for Inborn genetic diseases. Last evaluated: 2023-10-25. Review status: criteria provided, single submitter. Criteria: Ambry Variant Classification Scheme 2023. Collection method: clinical testing. Allele origin: germline.